The following is an entry in ClinVar:

ClinVar aggregate classification (germline): Uncertain significance. Review status: criteria provided, multiple submitters, no conflicts (2 of 4 stars). 2 submissions from 2 submitters: Uncertain significance (2). Last evaluated 2025-08-24.

Conditions:
Primary ciliary dyskinesia. Also called: Ciliary dyskinesia. Identifiers: Orphanet 244, MedGen C0008780, MONDO:0016575, HP:0012265.

Allele frequency attached by ClinVar (database versions not stated): gnomAD exomes below 0.00001 and 0.00001; ExAC 0.00001; gnomAD 0.00005; TOPMed 0.00005.
gnomAD v4.1: 16 of 1,613,718 alleles (0.00099%); highest among the groups gnomAD compares: Admixed American, 0.018%; no homozygotes.

Submissions (2):

Ambry Genetics
Classification: Uncertain significance for Primary ciliary dyskinesia. Last evaluated: 2025-08-24. Review status: criteria provided, single submitter. Criteria: Ambry Variant Classification Scheme 2023. Collection method: clinical testing. Allele origin: germline.

Labcorp Genetics (formerly Invitae), Labcorp
Classification: Uncertain significance for Primary ciliary dyskinesia. Last evaluated: 2018-03-14. Review status: criteria provided, single submitter. Criteria: Invitae Variant Classification Sherloc (09022015). Collection method: clinical testing. Allele origin: germline.
Comment: Algorithms developed to predict the effect of sequence changes on RNA splicing suggest that this variant may create or strengthen a splice site, but this prediction has not been confirmed by published transcriptional studies. In summary, the available evidence is currently insufficient to determine the role of this variant in disease. Therefore, it has been classified as a Variant of Uncertain Significance. Algorithms developed to predict the effect of missense changes on protein structure and function do not agree on the potential impact of this missense change (SIFT: "Deleterious"; PolyPhen-2: "Possibly Damaging"; Align-GVGD: "Class C0"). This sequence change replaces glutamic acid with valine at codon 323 of the CCDC114 protein (p.Glu323Val). The glutamic acid residue is moderately conserved and there is a moderate physicochemical difference between glutamic acid and valine. This variant is present in population databases (rs759585116, ExAC 0.009%). This variant has not been reported in the literature in individuals with CCDC114-related disease.

NM_001364171.2(ODAD1):c.1079A>T (p.Glu360Val)

Gene: ODAD1 (outer dynein arm docking complex subunit 1; minus strand). Cytogenetic location: 19q13.33.
Variant type: single nucleotide variant.
Coding change: c.1079A>T on transcript NM_001364171.2 (MANE Select); coding-DNA position 1079, A replaced by T.
Protein change: p.Glu360Val; replaces glutamic acid 360 with valine.
Molecular consequence: missense variant.
Genome position (GRCh38, 1-based): chr19:48,302,855, T>A on the plus strand (A>T on the coding strand, the complement: ODAD1 is on the minus strand). VCF-style: chr19-48302855-T-A. GRCh37 (hg19) VCF-style: chr19-48806112-T-A.
Other names: c.968A>T, p.Glu323Val (NM_144577.4); short protein forms E323V, E360V.
Identifiers: ClinVar variation 582383 (VCV000582383.11), dbSNP rs759585116, ClinGen allele CA9548823.